The following is an entry in ClinVar:

ClinVar aggregate classification (germline): Likely benign (1 of 4 stars; one submission).

Allele frequency attached by ClinVar (database versions not stated): gnomAD 0.00168 and 0.00009; ExAC 0.00659; gnomAD exomes 0.00589 and 0.00280; 1000 Genomes Project 0.01198; ESP Exome Variant Server 0.00008; 1000 Genomes Project 30x 0.01093; TOPMed 0.00030.
gnomAD v4.1: 4,256 of 1,566,030 alleles (0.27%); highest among the groups gnomAD compares: South Asian, 4.3%; 152 homozygotes.

Submissions (2):

GeneDx
Classification: Likely benign. Last evaluated: 2018-06-14. Review status: criteria provided, single submitter. Criteria: GeneDx Variant Classification (06012015). Collection method: clinical testing. Allele origin: germline. Affected: yes.
Comment: This variant is considered likely benign or benign based on one or more of the following criteria: it is a conservative change, it occurs at a poorly conserved position in the protein, it is predicted to be benign by multiple in silico algorithms, and/or has population frequency not consistent with disease.

Dr. Peter K. Rogan Lab, Western University
No classification provided (evidence only). Condition: Ovarian cancer. Review status: no classification provided. Collection method: in vitro. Allele origin: not applicable. Functional consequence: skipped exon. Not counted in ClinVar's aggregate classification.

NM_014845.6(FIG4):c.1138-45A>T

Gene: FIG4 (FIG4 phosphoinositide 5-phosphatase; plus strand). Cytogenetic location: 6q21.
Variant type: single nucleotide variant.
Coding change: c.1138-45A>T on transcript NM_014845.6 (MANE Select); 45 bases into the intron before coding-DNA position 1138, A replaced by T.
Molecular consequence: intron variant.
Genome position (GRCh38, 1-based): chr6:109,760,205, A>T. VCF-style: chr6-109760205-A-T. GRCh37 (hg19) VCF-style: chr6-110081408-A-T.
Other names: NC_000006.11:g.110081408A>T.
Identifiers: ClinVar variation 681727 (VCV000681727.2), dbSNP rs201459736, ClinGen allele CA3955996.